The following is an entry in ClinVar:

ClinVar aggregate classification (germline): Uncertain significance (1 of 4 stars; one submission).

Conditions:
Neuronal ceroid lipofuscinosis. Also called: Neuronal Ceroid Lipofuscinoses. Identifiers: Orphanet 216, Orphanet 79263, MedGen C0027877, MONDO:0016295. Disease mechanism: loss of function.

Allele frequency attached by ClinVar (database versions not stated): TOPMed below 0.00001.

Submission:

Labcorp Genetics (formerly Invitae), Labcorp
Classification: Uncertain significance for Neuronal ceroid lipofuscinosis. Last evaluated: 2022-01-15. Review status: criteria provided, single submitter. Criteria: Invitae Variant Classification Sherloc (09022015). Collection method: clinical testing. Allele origin: germline.
Comment: This sequence change replaces isoleucine, which is neutral and non-polar, with phenylalanine, which is neutral and non-polar, at codon 24 of the CTSD protein (p.Ile24Phe). This variant is not present in population databases (gnomAD no frequency). This variant has not been reported in the literature in individuals affected with CTSD-related conditions. ClinVar contains an entry for this variant (Variation ID: 846978). Algorithms developed to predict the effect of missense changes on protein structure and function are either unavailable or do not agree on the potential impact of this missense change (SIFT: "Deleterious"; PolyPhen-2: "Probably Damaging"; Align-GVGD: "Class C0"). In summary, the available evidence is currently insufficient to determine the role of this variant in disease. Therefore, it has been classified as a Variant of Uncertain Significance.

NM_001909.5(CTSD):c.70A>T (p.Ile24Phe)

Genes: PRADX (PRC2 and DDX5 associated lncRNA; plus strand), CTSD (cathepsin D; minus strand). Cytogenetic location: 11p15.5.
Variant type: single nucleotide variant.
Coding change: c.70A>T on transcript NM_001909.5 (MANE Select); coding-DNA position 70, A replaced by T.
Protein change: p.Ile24Phe; replaces isoleucine 24 with phenylalanine.
Molecular consequence: missense variant.
Genome position (GRCh38, 1-based): chr11:1,761,467, T>A on the plus strand (A>T on the coding strand, the complement: CTSD is on the minus strand). VCF-style: chr11-1761467-T-A. GRCh37 (hg19) VCF-style: chr11-1782697-T-A.
Other names: short protein forms I24F.
Identifiers: ClinVar variation 846978 (VCV000846978.7), dbSNP rs1845876465, ClinGen allele CA379100159.